The following is an entry in ClinVar:

NM_004370.6(COL12A1):c.4957+1G>A

Gene: COL12A1 (collagen type XII alpha 1 chain; minus strand). Cytogenetic location: 6q13.
Variant type: single nucleotide variant.
Coding change: c.4957+1G>A on transcript NM_004370.6 (MANE Select); the canonical splice donor site of the intron after coding-DNA position 4957, G replaced by A.
Molecular consequence: splice donor variant.
Genome position (GRCh38, 1-based): chr6:75,142,031, C>T on the plus strand (G>A on the coding strand, the complement: COL12A1 is on the minus strand). VCF-style: chr6-75142031-C-T. GRCh37 (hg19) VCF-style: chr6-75851747-C-T.
Other names: c.1465+1G>A (NM_080645.3).
Identifiers: ClinVar variation 547005 (VCV000547005.45), dbSNP rs1366112521, ClinGen allele CA364740339.

ClinVar aggregate classification (germline): Likely pathogenic. Review status: criteria provided, multiple submitters, no conflicts (2 of 4 stars). 2 submissions from 2 submitters: Likely pathogenic (2). Last evaluated 2024-12-24.

Conditions:
Ullrich congenital muscular dystrophy 2 (UCMD2). Identifiers: Orphanet 75840, MedGen C4225314, MONDO:0014654, OMIM 616470.
Bethlem myopathy 2 (BTHLM2). Identifiers: Orphanet 536516, Orphanet 610, MedGen C4225313, MONDO:0034022, OMIM 616471.

Allele frequency attached by ClinVar (database versions not stated): gnomAD exomes below 0.00001 and 0.00001.

Submissions (2):

Labcorp Genetics (formerly Invitae), Labcorp
Classification: Likely pathogenic for Bethlem myopathy 2; Ullrich congenital muscular dystrophy 2. Last evaluated: 2024-12-24. Review status: criteria provided, single submitter. Criteria: Invitae Variant Classification Sherloc (09022015). Collection method: clinical testing. Allele origin: germline.
Comment: This sequence change affects a donor splice site in intron 27 of the COL12A1 gene. It is expected to disrupt RNA splicing. Variants that disrupt the donor or acceptor splice site typically lead to a loss of protein function (PMID: 16199547), and loss-of-function variants in COL12A1 are known to be pathogenic (PMID: 24334604, 28973083). This variant is present in population databases (no rsID available, gnomAD 0.003%). This variant has not been reported in the literature in individuals affected with COL12A1-related conditions. ClinVar contains an entry for this variant (Variation ID: 547005). Algorithms developed to predict the effect of sequence changes on RNA splicing suggest that this variant may disrupt the consensus splice site. In summary, the currently available evidence indicates that the variant is pathogenic, but additional data are needed to prove that conclusively. Therefore, this variant has been classified as Likely Pathogenic.

CeGaT Center for Human Genetics Tuebingen
Classification: Likely pathogenic. Last evaluated: 2018-05-01. Review status: criteria provided, single submitter. Criteria: CeGaT Center For Human Genetics Tuebingen Variant Classification Criteria Version 2. Collection method: clinical testing. Allele origin: germline. Affected: yes. Observed: 5 variant alleles.

Literature cited by the submitters: PubMed 16199547 (cited by Labcorp Genetics (formerly Invitae), Labcorp); PubMed 24334604 (cited by Labcorp Genetics (formerly Invitae), Labcorp); PubMed 28973083 (cited by Labcorp Genetics (formerly Invitae), Labcorp).